The following is an entry in ClinVar:

ClinVar aggregate classification (germline): Pathogenic. Review status: criteria provided, multiple submitters, no conflicts (2 of 4 stars). 2 submissions from 2 submitters: Pathogenic (2). Last evaluated 2022-04-24.

Conditions:
Epidermolysis bullosa dystrophica. Also called: Dystrophic epidermolysis bullosa; Dystrophic epidermolysis bullosa, Hallopeau-Siemens type (formerly). Identifiers: Orphanet 303, MedGen C0079294, MONDO:0006543.

Submissions (2):

Labcorp Genetics (formerly Invitae), Labcorp
Classification: Pathogenic. Last evaluated: 2022-04-24. Review status: criteria provided, single submitter. Criteria: Invitae Variant Classification Sherloc (09022015). Collection method: clinical testing. Allele origin: germline.
Comment: For these reasons, this variant has been classified as Pathogenic. ClinVar contains an entry for this variant (Variation ID: 587424). This variant is also known as p.Pro1411Profs Ter298. This premature translational stop signal has been observed in individual(s) with epidermolysis bullosa dystrophica (PMID: 27899325). This variant is not present in population databases (gnomAD no frequency). This sequence change creates a premature translational stop signal (p.Gly1412Aspfs*298) in the COL7A1 gene. It is expected to result in an absent or disrupted protein product. Loss-of-function variants in COL7A1 are known to be pathogenic (PMID: 16971478).

Genomic Research Center, Shahid Beheshti University of Medical Sciences
Classification: Pathogenic for Dystrophic epidermolysis bullosa. Last evaluated: 2018-08-07. Review status: criteria provided, single submitter. Criteria: ACMG Guidelines, 2015. Collection method: clinical testing. Allele origin: inherited. Affected: no. Observed: 1 variant allele.

Literature cited by the submitters: PubMed 27899325 (cited by Labcorp Genetics (formerly Invitae), Labcorp); PubMed 16971478 (cited by Labcorp Genetics (formerly Invitae), Labcorp).

NM_000094.4(COL7A1):c.4233del (p.Gly1412fs)

Gene: COL7A1 (collagen type VII alpha 1 chain; minus strand). Cytogenetic location: 3p21.31.
Variant type: Deletion.
Coding change: c.4233del on transcript NM_000094.4 (MANE Select); coding-DNA position 4233, one base deleted (T; older notation c.4233delT).
Protein change: p.Gly1412fs; shifts the reading frame from glycine 1412.
Molecular consequence: frameshift variant.
Genome position (GRCh38, 1-based): chr3:48,583,945, A deleted on the plus strand (T on the coding strand, the reverse complement: COL7A1 is on the minus strand). VCF-style (leftmost placement, unchanged base first): chr3-48583944-CA-C. GRCh37 (hg19) VCF-style: chr3-48621377-CA-C.
Other names: c.4233delT (NM_000094.3); short protein forms G1412fs.
Identifiers: ClinVar variation 587424 (VCV000587424.8), dbSNP rs1560241522, ClinGen allele CA891842765.